The following is an entry in ClinVar:

NM_019032.6(ADAMTSL4):c.1197C>A (p.Phe399Leu)

Genes: ADAMTSL4 (ADAMTS like 4; plus strand), ADAMTSL4-AS2 (ADAMTSL4 antisense RNA 2; minus strand). Cytogenetic location: 1q21.2.
Variant type: single nucleotide variant.
Coding change: c.1197C>A on transcript NM_019032.6 (MANE Select); coding-DNA position 1197, C replaced by A.
Protein change: p.Phe399Leu; replaces phenylalanine 399 with leucine.
Molecular consequence: missense variant.
Genome position (GRCh38, 1-based): chr1:150,554,430, C>A. VCF-style: chr1-150554430-C-A. GRCh37 (hg19) VCF-style: chr1-150526906-C-A.
Other names: c.1197C>A, p.Phe399Leu (NM_001288607.2, NM_001288608.2, NM_001378596.1 and 1 more transcripts); short protein forms F399L.
Identifiers: ClinVar variation 2139057 (VCV002139057.1), dbSNP rs780280898, ClinGen allele CA1078164.

ClinVar aggregate classification (germline): Uncertain significance (1 of 4 stars; one submission).

Allele frequency attached by ClinVar (database versions not stated): ExAC 0.00001; TOPMed 0.00002.
gnomAD v4.1: 27 of 1,614,052 alleles (0.0017%); highest among the groups gnomAD compares: Non-Finnish European, 0.0023%; no homozygotes.

Submission:

Labcorp Genetics (formerly Invitae), Labcorp
Classification: Uncertain significance. Last evaluated: 2021-12-24. Review status: criteria provided, single submitter. Criteria: Invitae Variant Classification Sherloc (09022015). Collection method: clinical testing. Allele origin: germline.
Comment: This sequence change replaces phenylalanine, which is neutral and non-polar, with leucine, which is neutral and non-polar, at codon 399 of the ADAMTSL4 protein (p.Phe399Leu). This variant is present in population databases (rs780280898, gnomAD 0.0009%). This variant has not been reported in the literature in individuals affected with ADAMTSL4-related conditions. Algorithms developed to predict the effect of missense changes on protein structure and function are either unavailable or do not agree on the potential impact of this missense change (SIFT: "Deleterious"; PolyPhen-2: "Possibly Damaging"; Align-GVGD: "Class C15"). In summary, the available evidence is currently insufficient to determine the role of this variant in disease. Therefore, it has been classified as a Variant of Uncertain Significance.